The following is an entry in ClinVar:

NM_144991.3(TSPEAR):c.1491C>A (p.Asn497Lys)

Gene: TSPEAR (thrombospondin type laminin G domain and EAR repeats; minus strand). Cytogenetic location: 21q22.3.
Variant type: single nucleotide variant.
Coding change: c.1491C>A on transcript NM_144991.3 (MANE Select); coding-DNA position 1491, C replaced by A.
Protein change: p.Asn497Lys; replaces asparagine 497 with lysine.
Molecular consequence: missense variant.
Genome position (GRCh38, 1-based): chr21:44,521,958, G>T on the plus strand (C>A on the coding strand, the complement: TSPEAR is on the minus strand). VCF-style: chr21-44521958-G-T. GRCh37 (hg19) VCF-style: chr21-45941841-G-T.
Other names: c.1287C>A, p.Asn429Lys (NM_001272037.2); short protein forms N429K, N497K.
Identifiers: ClinVar variation 1187498 (VCV001187498.2), dbSNP rs782799824, ClinGen allele CA410436866.

ClinVar aggregate classification (germline): Likely pathogenic (1 of 4 stars; one submission).

gnomAD v4.1: 23 of 1,614,128 alleles (0.0014%); highest among the groups gnomAD compares: Non-Finnish European, 0.0019%; no homozygotes.

Submission:

GeneDx
Classification: Likely pathogenic. Last evaluated: 2020-10-21. Review status: criteria provided, single submitter. Criteria: GeneDx Variant Classification Process June 2021. Collection method: clinical testing. Allele origin: germline. Affected: yes.
Comment: Not observed in large population cohorts (Lek et al., 2016); In silico analysis, which includes protein predictors and evolutionary conservation, supports a deleterious effect; Has not been previously published as pathogenic or benign to our knowledge